The following is an entry in ClinVar:

ClinVar aggregate classification (germline): Uncertain significance. Review status: criteria provided, multiple submitters, no conflicts (2 of 4 stars). 2 submissions from 2 submitters: Uncertain significance (2). Last evaluated 2025-03-31.

Conditions:
RASopathy. Also called: rasopathies; Noonan spectrum disorder. Identifiers: Orphanet 536391, MedGen C5555857, MONDO:0021060.
Cardiovascular phenotype. Identifiers: MedGen CN230736.

Submissions (2):

Ambry Genetics
Classification: Uncertain significance for Cardiovascular phenotype. Last evaluated: 2025-03-31. Review status: criteria provided, single submitter. Criteria: Ambry Variant Classification Scheme 2023. Collection method: clinical testing. Allele origin: germline.
Comment: The p.M140I variant (also known as c.420G>A), located in coding exon 2 of the CBL gene, results from a G to A substitution at nucleotide position 420. The methionine at codon 140 is replaced by isoleucine, an amino acid with highly similar properties. This amino acid position is conserved. In addition, this alteration is predicted to be deleterious by in silico analysis. Based on the available evidence, the clinical significance of this variant remains unclear.

Labcorp Genetics (formerly Invitae), Labcorp
Classification: Uncertain significance for RASopathy. Last evaluated: 2024-02-26. Review status: criteria provided, single submitter. Criteria: Invitae Variant Classification Sherloc (09022015). Collection method: clinical testing. Allele origin: germline.
Comment: This sequence change replaces methionine, which is neutral and non-polar, with isoleucine, which is neutral and non-polar, at codon 140 of the CBL protein (p.Met140Ile). This variant is not present in population databases (gnomAD no frequency). This variant has not been reported in the literature in individuals affected with CBL-related conditions. ClinVar contains an entry for this variant (Variation ID: 1471646). Advanced modeling of protein sequence and biophysical properties (such as structural, functional, and spatial information, amino acid conservation, physicochemical variation, residue mobility, and thermodynamic stability) has been performed at Invitae for this missense variant, however the output from this modeling did not meet the statistical confidence thresholds required to predict the impact of this variant on CBL protein function. In summary, the available evidence is currently insufficient to determine the role of this variant in disease. Therefore, it has been classified as a Variant of Uncertain Significance.

NM_005188.4(CBL):c.420G>A (p.Met140Ile)

Gene: CBL (Cbl proto-oncogene; plus strand). Cytogenetic location: 11q23.3.
Variant type: single nucleotide variant.
Coding change: c.420G>A on transcript NM_005188.4 (MANE Select); coding-DNA position 420, G replaced by A.
Protein change: p.Met140Ile; replaces methionine 140 with isoleucine.
Molecular consequence: missense variant.
Genome position (GRCh38, 1-based): chr11:119,232,672, G>A. VCF-style: chr11-119232672-G-A. GRCh37 (hg19) VCF-style: chr11-119103382-G-A.
Other names: c.420G>A (NM_005188.2); short protein forms M140I.
Identifiers: ClinVar variation 1471646 (VCV001471646.7), dbSNP rs2135266393, ClinGen allele CA382895876.